The following is an entry in ClinVar:

NM_000179.3(MSH6):c.1760C>A (p.Ala587Glu)

Gene: MSH6 (mutS homolog 6; plus strand). Cytogenetic location: 2p16.3.
Variant type: single nucleotide variant.
Coding change: c.1760C>A on transcript NM_000179.3 (MANE Select); coding-DNA position 1760, C replaced by A.
Protein change: p.Ala587Glu; replaces alanine 587 with glutamic acid.
Molecular consequence: missense variant.
Genome position (GRCh38, 1-based): chr2:47,799,743, C>A. VCF-style: chr2-47799743-C-A. GRCh37 (hg19) VCF-style: chr2-48026882-C-A.
Other names: c.1370C>A, p.Ala457Glu (NM_001281492.2); c.854C>A, p.Ala285Glu (NM_001281493.2, NM_001281494.2); short protein forms A457E, A587E, A285E.
Identifiers: ClinVar variation 922892 (VCV000922892.6), dbSNP rs1060502907, ClinGen allele CA346749050.

ClinVar aggregate classification (germline): Uncertain significance. Review status: criteria provided, multiple submitters, no conflicts (2 of 4 stars). 3 submissions from 3 submitters: Uncertain significance (3). Last evaluated 2026-07-02.

Conditions:
Hereditary cancer-predisposing syndrome. Also called: Neoplastic Syndromes, Hereditary; Hereditary Cancer Syndrome; Tumor predisposition; Hereditary neoplastic syndrome. Identifiers: Orphanet 140162, MedGen C0027672, MeSH D009386, MONDO:0015356.
MSH6-related disorder. Also called: MSH6-related condition; MSH6-Related disorders.

Allele frequency attached by ClinVar (database versions not stated): gnomAD exomes below 0.00001.
gnomAD v4.1: 1 of 1,614,150 alleles (0.000062%); highest among the groups gnomAD compares: South Asian, 0.0011%; no homozygotes.

Submissions (3):

PreventionGenetics, part of Exact Sciences
Classification: Uncertain significance for MSH6-related condition. Last evaluated: 2026-07-02. Review status: criteria provided, single submitter. Criteria: ACMG Guidelines, 2015. Collection method: clinical testing. Allele origin: germline.
Comment: The MSH6 c.1760C>A variant is predicted to result in the amino acid substitution p.Ala587Glu. To our knowledge, this variant has not been reported in the literature. This variant is reported in 0.0033% of alleles in individuals of South Asian descent in gnomAD. This variant is interpreted as uncertain in ClinVar (Variation ID: 922892). At this time, the clinical significance of this variant is uncertain due to the absence of conclusive functional and genetic evidence.

Color Diagnostics, LLC DBA Color Health
Classification: Uncertain significance for Hereditary cancer-predisposing syndrome. Last evaluated: 2024-03-06. Review status: criteria provided, single submitter. Criteria: ACMG Guidelines, 2015. Collection method: clinical testing. Allele origin: germline.
Comment: This missense variant replaces alanine with glutamic acid at codon 587 of the MSH6 protein. Computational prediction suggests that this variant may have deleterious impact on protein structure and function (internally defined REVEL score threshold >= 0.7, PMID: 27666373). Splice site prediction tools suggest that this variant may not impact RNA splicing. To our knowledge, functional studies have not been reported for this variant. This variant has not been reported in individuals affected with hereditary cancer in the literature. This variant has been identified in 1/250282 chromosomes in the general population by the Genome Aggregation Database (gnomAD). The available evidence is insufficient to determine the role of this variant in disease conclusively. Therefore, this variant is classified as a Variant of Uncertain Significance.

Ambry Genetics
Classification: Uncertain significance for Hereditary cancer-predisposing syndrome. Last evaluated: 2023-10-19. Review status: criteria provided, single submitter. Criteria: Ambry Variant Classification Scheme 2023. Collection method: clinical testing. Allele origin: germline.
Comment: The p.A587E variant (also known as c.1760C>A), located in coding exon 4 of the MSH6 gene, results from a C to A substitution at nucleotide position 1760. The alanine at codon 587 is replaced by glutamic acid, an amino acid with dissimilar properties. This amino acid position is conserved. In addition, this alteration is predicted to be deleterious by in silico analysis. Since supporting evidence is limited at this time, the clinical significance of this alteration remains unclear.